The following is an entry in ClinVar:

NM_001470.4(GABBR1):c.157G>C (p.Ala53Pro)

Gene: GABBR1 (gamma-aminobutyric acid type B receptor subunit 1; minus strand). Cytogenetic location: 6p22.1.
Variant type: single nucleotide variant.
Coding change: c.157G>C on transcript NM_001470.4 (MANE Select); coding-DNA position 157, G replaced by C.
Protein change: p.Ala53Pro; replaces alanine 53 with proline.
Molecular consequence: missense variant. On other transcripts: 5 prime UTR variant (1).
Genome position (GRCh38, 1-based): chr6:29,631,528, C>G on the plus strand (G>C on the coding strand, the complement: GABBR1 is on the minus strand). VCF-style: chr6-29631528-C-G. GRCh37 (hg19) VCF-style: chr6-29599305-C-G.
Other names: c.-311G>C (NM_001319053.2); c.157G>C, p.Ala53Pro (NM_021904.4); short protein forms A53P.
Identifiers: ClinVar variation 3359916 (VCV003359916.1).

ClinVar aggregate classification (germline): Uncertain significance (1 of 4 stars; one submission).

Submission:

GeneDx
Classification: Uncertain significance. Last evaluated: 2023-06-15. Review status: criteria provided, single submitter. Criteria: GeneDx Variant Classification Process June 2021. Collection method: clinical testing. Allele origin: germline. Affected: yes.
Comment: Not observed at significant frequency in large population cohorts (gnomAD); In silico analysis supports that this missense variant has a deleterious effect on protein structure/function; Has not been previously published as pathogenic or benign to our knowledge